The following is an entry in ClinVar:

NM_005502.4(ABCA1):c.4278C>T (p.Asp1426=)

Gene: ABCA1 (ATP binding cassette subfamily A member 1; minus strand). Cytogenetic location: 9q31.1.
Variant type: single nucleotide variant.
Coding change: c.4278C>T on transcript NM_005502.4 (MANE Select); coding-DNA position 4278, C replaced by T.
Protein change: p.Asp1426=; no amino-acid change (aspartic acid 1426 retained).
Molecular consequence: synonymous variant.
Genome position (GRCh38, 1-based): chr9:104,806,427, G>A on the plus strand (C>T on the coding strand, the complement: ABCA1 is on the minus strand). VCF-style: chr9-104806427-G-A. GRCh37 (hg19) VCF-style: chr9-107568708-G-A.
Other names: c.4278C>T (NM_005502.3).
Identifiers: ClinVar variation 1574322 (VCV001574322.9), dbSNP rs1042205538, ClinGen allele CA197371127.
Genomic context (GRCh38, chr9:104,806,427, plus strand): 5'-CATGATGGTCTGGGGAACTGGGGCAGTGGTCCACTCTTCCTCCCCTGCCTGGCAGGGCGT[G>A]TCTCTGCAAAGGGAAGACAGCAAGAGTAGGATTACCAGAGATGGCCTGGCCTTTCTGTTG-3'
Protein context (NP_005493.2, residues 1416-1436): TRCMEGNPIP[Asp1426=]TPCQAGEEEW

ClinVar aggregate classification (germline): Likely benign. Review status: criteria provided, single submitter (1 of 4 stars). 2 submissions from 2 submitters: Likely benign (1). 1 of the submissions does not count toward it. Last evaluated 2023-02-16.

Conditions:
ABCA1-related disorder. Also called: ABCA1-related condition; ABCA1-related disorders. Identifiers: MedGen CN239173.

Allele frequency attached by ClinVar (database versions not stated): TOPMed below 0.00001; gnomAD exomes 0.00001.
gnomAD v4.1: 9 of 1,614,142 alleles (0.00056%); highest among the groups gnomAD compares: Non-Finnish European, 0.00076%; no homozygotes.

Submissions (2):

Labcorp Genetics (formerly Invitae), Labcorp
Classification: Likely benign. Last evaluated: 2023-02-16. Review status: criteria provided, single submitter. Criteria: Invitae Variant Classification Sherloc (09022015). Collection method: clinical testing. Allele origin: germline.

PreventionGenetics, part of Exact Sciences
Classification: Likely benign for ABCA1-related condition. Last evaluated: 2024-03-11. Review status: no assertion criteria provided. Collection method: clinical testing. Allele origin: germline. Not counted in ClinVar's aggregate classification.
Comment: This variant is classified as likely benign based on ACMG/AMP sequence variant interpretation guidelines (Richards et al. 2015 PMID: 25741868, with internal and published modifications).